The following is an entry in ClinVar:

NM_203446.3(SYNJ1):c.1483G>A (p.Ala495Thr)

Gene: SYNJ1 (synaptojanin 1; minus strand). Cytogenetic location: 21q22.11.
Variant type: single nucleotide variant.
Coding change: c.1483G>A on transcript NM_203446.3 (MANE Select); coding-DNA position 1483, G replaced by A.
Protein change: p.Ala495Thr; replaces alanine 495 with threonine.
Molecular consequence: missense variant.
Genome position (GRCh38, 1-based): chr21:32,678,672, C>T on the plus strand (G>A on the coding strand, the complement: SYNJ1 is on the minus strand). VCF-style: chr21-32678672-C-T. GRCh37 (hg19) VCF-style: chr21-34050982-C-T.
Other names: c.1483G>A, p.Ala495Thr (NM_001160302.2); c.1492G>A, p.Ala498Thr (NM_001160306.2); c.1600G>A, p.Ala534Thr (NM_003895.4); short protein forms A498T, A495T, A534T.
Identifiers: ClinVar variation 2093783 (VCV002093783.4), dbSNP rs768961845, ClinGen allele CA10003895.
Genomic context (GRCh38, chr21:32,678,672, plus strand): 5'-ATAAATAACAAATAAAATATAAAGTGCACATACCACGCAAACTTCCAGTAGTTAAAAGTG[C>T]TCGAGCTTTGTCAGCTAAATCACTATTCAGAGTATTTCCCAGTAGCAAAACATCAATGGC-3'
Protein context (NP_982271.3, residues 485-505): LNSDLADKAR[Ala495Thr]LLTTGSLRVS

ClinVar aggregate classification (germline): Uncertain significance (1 of 4 stars; one submission).

Conditions:
Developmental and epileptic encephalopathy, 53. Also called: Epileptic encephalopathy, early infantile, 53. Identifiers: MedGen C4479313, MONDO:0033362, OMIM 617389.
Early-onset Parkinson disease 20. Also called: PARKINSON DISEASE 20, AUTOSOMAL RECESSIVE EARLY-ONSET. Identifiers: Orphanet 391411, MedGen C3809824, MONDO:0014233, OMIM 615530.

Allele frequency attached by ClinVar (database versions not stated): gnomAD exomes below 0.00001; ExAC 0.00001.
gnomAD v4.1: 3 of 1,609,990 alleles (0.00019%); highest among the groups gnomAD compares: East Asian, 0.0067%; no homozygotes.

Submission:

Labcorp Genetics (formerly Invitae), Labcorp
Classification: Uncertain significance for Developmental and epileptic encephalopathy, 53; Early-onset Parkinson disease 20. Last evaluated: 2022-02-06. Review status: criteria provided, single submitter. Criteria: Invitae Variant Classification Sherloc (09022015). Collection method: clinical testing. Allele origin: germline.
Comment: In summary, the available evidence is currently insufficient to determine the role of this variant in disease. Therefore, it has been classified as a Variant of Uncertain Significance. Algorithms developed to predict the effect of missense changes on protein structure and function are either unavailable or do not agree on the potential impact of this missense change (SIFT: "Tolerated"; PolyPhen-2: "Possibly Damaging"; Align-GVGD: "Class C0"). This variant has not been reported in the literature in individuals affected with SYNJ1-related conditions. This variant is present in population databases (rs768961845, gnomAD 0.01%). This sequence change replaces alanine, which is neutral and non-polar, with threonine, which is neutral and polar, at codon 534 of the SYNJ1 protein (p.Ala534Thr).